The following is an entry in ClinVar:

NM_144672.4(OTOA):c.1151A>G (p.Asn384Ser)

Gene: OTOA (otoancorin). Cytogenetic location: 16p12.2.
Variant type: single nucleotide variant.
Coding change: c.1151A>G on transcript NM_144672.4 (MANE Select); coding-DNA position 1151, A replaced by G.
Protein change: p.Asn384Ser; replaces asparagine 384 with serine.
Molecular consequence: missense variant.
Genome position (GRCh38, 1-based): chr16:21,709,934, A>G. VCF-style: chr16-21709934-A-G. GRCh37 (hg19) VCF-style: chr16-21721255-A-G.
Other names: NC_000016.9:g.21721255A>G; c.914A>G, p.Asn305Ser (NM_001161683.2); c.179A>G, p.Asn60Ser (NM_170664.3); short protein forms N305S, N60S, N384S.
Identifiers: ClinVar variation 3412646 (VCV003412646.3).

ClinVar aggregate classification (germline): Uncertain significance. Review status: criteria provided, multiple submitters, no conflicts (2 of 4 stars). 2 submissions from 2 submitters: Uncertain significance (2). Last evaluated 2026-03-18.

Conditions:
OTOA-related disorder. Also called: OTOA-related condition.
Inborn genetic diseases. Identifiers: MedGen C0950123, MeSH D030342.

gnomAD v4.1: 41 of 1,613,806 alleles (0.0025%); highest among the groups gnomAD compares: African/African-American, 0.012%; no homozygotes.

Submissions (3):

PreventionGenetics, part of Exact Sciences
Classification: Uncertain significance for OTOA-related condition. Last evaluated: 2026-03-18. Review status: criteria provided, single submitter. Criteria: ACMG Guidelines, 2015. Collection method: clinical testing. Allele origin: germline.
Comment: The OTOA c.1151A>G variant is predicted to result in the amino acid substitution p.Asn384Ser. To our knowledge, this variant has not been reported in the literature. This variant is reported in 0.0065% of alleles in individuals of South Asian descent in gnomAD. At this time, the clinical significance of this variant is uncertain due to the absence of conclusive functional and genetic evidence.

Ambry Genetics
Classification: Uncertain significance for Inborn genetic diseases. Last evaluated: 2024-11-09. Review status: criteria provided, single submitter. Criteria: Ambry Variant Classification Scheme 2023. Collection method: clinical testing. Allele origin: germline.

Dr. Peter K. Rogan Lab, Western University
No classification provided (evidence only). Condition: Sarcoma. Review status: no classification provided. Collection method: in vitro. Allele origin: not applicable. Functional consequence: retained intron. Not counted in ClinVar's aggregate classification.